The following is an entry in ClinVar:

ClinVar aggregate classification (germline): Pathogenic (1 of 4 stars; one submission).

Submission:

Labcorp Genetics (formerly Invitae), Labcorp
Classification: Pathogenic. Last evaluated: 2023-01-16. Review status: criteria provided, single submitter. Criteria: Invitae Variant Classification Sherloc (09022015). Collection method: clinical testing. Allele origin: germline.
Comment: Algorithms developed to predict the effect of sequence changes on RNA splicing suggest that this variant may create or strengthen a splice site. This variant has not been reported in the literature in individuals affected with POLR3B-related conditions. This variant is not present in population databases (gnomAD no frequency). This sequence change creates a premature translational stop signal (p.Val969*) in the POLR3B gene. It is expected to result in an absent or disrupted protein product. Loss-of-function variants in POLR3B are known to be pathogenic (PMID: 25339210). For these reasons, this variant has been classified as Pathogenic.

Literature cited by the submitters: PubMed 25339210.

NM_018082.6(POLR3B):c.2904del (p.Lys968_Val969insTer)

Genes: POLR3B (RNA polymerase III subunit B; plus strand), RFX4-AS1 (RFX4 antisense RNA 1; minus strand). Cytogenetic location: 12q23.3.
Variant type: Deletion.
Coding change: c.2904del on transcript NM_018082.6 (MANE Select); coding-DNA position 2904, one base deleted (A; older notation c.2904delA).
Protein change: p.Lys968_Val969insTer.
Molecular consequence: frameshift variant.
Genome position (GRCh38, 1-based): chr12:106,496,838, A deleted; the last of 3 consecutive A bases (chr12:106,496,836-106,496,838); deleting any one gives the same sequence. VCF-style (leftmost placement, unchanged base first): chr12-106496835-TA-T. GRCh37 (hg19) VCF-style: chr12-106890613-TA-T.
Other names: c.2730del, p.Lys910_Val911insTer (NM_001160708.2).
Identifiers: ClinVar variation 2778666 (VCV002778666.3), dbSNP rs2542232626, ClinGen allele CA912973381.